The following is an entry in ClinVar:

ClinVar aggregate classification (germline): Conflicting classifications of pathogenicity. Review status: criteria provided, conflicting classifications (1 of 4 stars). 2 submissions from 2 submitters: Uncertain significance (1); Likely benign (1). Last evaluated 2022-12-19.

gnomAD v4.1: 6 of 1,613,192 alleles (0.00037%); highest among the groups gnomAD compares: African/African-American, 0.0053%; no homozygotes.

Submissions (2):

Labcorp Genetics (formerly Invitae), Labcorp
Classification: Likely benign. Last evaluated: 2022-12-19. Review status: criteria provided, single submitter. Criteria: Invitae Variant Classification Sherloc (09022015). Collection method: clinical testing. Allele origin: germline.

GeneDx
Classification: Uncertain significance. Last evaluated: 2019-12-09. Review status: criteria provided, single submitter. Criteria: GeneDx Variant Classification Process June 2021. Collection method: clinical testing. Allele origin: germline. Affected: yes.
Comment: Has not been previously published as pathogenic or benign to our knowledge; In-silico analysis, which includes splice predictors and evolutionary conservation, is inconclusive as to whether the variant alters gene splicing. In the absence of RNA/functional studies, the actual effect of this sequence change is unknown.

NM_003322.6(TULP1):c.829-7C>G

Gene: TULP1 (TUB like protein 1; minus strand). Cytogenetic location: 6p21.31.
Variant type: single nucleotide variant.
Coding change: c.829-7C>G on transcript NM_003322.6 (MANE Select); 7 bases into the intron before coding-DNA position 829, C replaced by G.
Molecular consequence: intron variant.
Genome position (GRCh38, 1-based): chr6:35,506,180, G>C on the plus strand (C>G on the coding strand, the complement: TULP1 is on the minus strand). VCF-style: chr6-35506180-G-C. GRCh37 (hg19) VCF-style: chr6-35473957-G-C.
Other names: c.670-7C>G (NM_001289395.2).
Identifiers: ClinVar variation 1310338 (VCV001310338.5), dbSNP rs780382505, ClinGen allele CA3772769.